The following is an entry in ClinVar:

NM_001204.7(BMPR2):c.2450_2451del (p.Asn817fs)

Gene: BMPR2 (bone morphogenetic protein receptor type 2; plus strand). Cytogenetic location: 2q33.2.
Variant type: Deletion.
Coding change: c.2450_2451del on transcript NM_001204.7 (MANE Select); coding-DNA positions 2450 to 2451, 2 bases deleted (AC; older notation c.2450_2451delAC).
Protein change: p.Asn817fs; shifts the reading frame from asparagine 817.
Molecular consequence: frameshift variant.
Genome position (GRCh38, 1-based): chr2:202,556,115-202,556,116, AC deleted. VCF-style (leftmost placement, unchanged base first): chr2-202556114-AAC-A. GRCh37 (hg19) VCF-style: chr2-203420837-AAC-A.
Other names: short protein forms N817fs.
Identifiers: ClinVar variation 1069537 (VCV001069537.12), dbSNP rs2105712248, ClinGen allele CA2499215576.
Genomic context (GRCh38, chr2:202,556,114, plus strand): 5'-GCAGAACCTCATGTGGTGACAGTCACCATGAATGGTGTGGCAGGTAGAAACCACAGTGTT[AAC>A]TCCCATGCTGCCACAACCCAATATGCCAATGGGACAGTACTATCTGGCCAAACAACCAAC-3'

ClinVar aggregate classification (germline): Pathogenic. Review status: criteria provided, single submitter (1 of 4 stars). 2 submissions from 2 submitters: Pathogenic (1). 1 of the submissions does not count toward it. Last evaluated 2020-11-02.

Conditions:
Pulmonary arterial hypertension. Identifiers: Orphanet 182090, MedGen C2973725, MeSH D000081029, MONDO:0015924, HP:0002092.
Idiopathic and/or familial pulmonary arterial hypertension. Identifiers: Orphanet 422, MedGen C5679820, MONDO:0008347.
Primary pulmonary hypertension. Also called: Idiopathic pulmonary hypertension. Identifiers: MedGen C0152171.

Submissions (2):

Labcorp Genetics (formerly Invitae), Labcorp
Classification: Pathogenic for Primary pulmonary hypertension. Last evaluated: 2020-11-02. Review status: criteria provided, single submitter. Criteria: Invitae Variant Classification Sherloc (09022015). Collection method: clinical testing. Allele origin: germline.
Comment: For these reasons, this variant has been classified as Pathogenic. This variant has been observed in individual(s) with pulmonary arterial hypertension (PMID: 31727138). This variant is not present in population databases (ExAC no frequency). This sequence change creates a premature translational stop signal (p.Asn817Ilefs*25) in the BMPR2 gene. It is expected to result in an absent or disrupted protein product. Loss-of-function variants in BMPR2 are known to be pathogenic (PMID: 16429395).

Wendy Chung Laboratory, Boston Children's Hospital
No classification provided. Condition: Idiopathic and/or familial pulmonary arterial hypertension. Review status: no classification provided. Collection method: literature only. Allele origin: germline. Affected: yes. Not counted in ClinVar's aggregate classification.

Literature cited by the submitters: PubMed 31727138 (cited by Labcorp Genetics (formerly Invitae), Labcorp and Wendy Chung Laboratory, Boston Children's Hospital); PubMed 16429395 (cited by Labcorp Genetics (formerly Invitae), Labcorp).